The following is an entry in ClinVar:

ClinVar aggregate classification (germline): Uncertain significance (1 of 4 stars; one submission).

Submission:

GeneDx
Classification: Uncertain significance. Last evaluated: 2023-11-07. Review status: criteria provided, single submitter. Criteria: GeneDx Variant Classification Process June 2021. Collection method: clinical testing. Allele origin: germline. Affected: yes.
Comment: Not observed at significant frequency in large population cohorts (gnomAD); In silico analysis supports that this missense variant has a deleterious effect on protein structure/function; Has not been previously published as pathogenic or benign to our knowledge

NM_015338.6(ASXL1):c.1776G>T (p.Gln592His)

Gene: ASXL1 (ASXL transcriptional regulator 1; plus strand). Cytogenetic location: 20q11.21.
Variant type: single nucleotide variant.
Coding change: c.1776G>T on transcript NM_015338.6 (MANE Select); coding-DNA position 1776, G replaced by T.
Protein change: p.Gln592His; replaces glutamine 592 with histidine.
Molecular consequence: missense variant.
Genome position (GRCh38, 1-based): chr20:32,434,488, G>T. VCF-style: chr20-32434488-G-T. GRCh37 (hg19) VCF-style: chr20-31022291-G-T.
Other names: c.1593G>T, p.Gln531His (NM_001363734.1); short protein forms Q531H, Q592H.
Identifiers: ClinVar variation 3363984 (VCV003363984.1).